The following is an entry in ClinVar:

ClinVar aggregate classification (germline): Pathogenic (1 of 4 stars; one submission).

Submission:

Labcorp Genetics (formerly Invitae), Labcorp
Classification: Pathogenic. Last evaluated: 2022-08-22. Review status: criteria provided, single submitter. Criteria: Invitae Variant Classification Sherloc (09022015). Collection method: clinical testing. Allele origin: germline.
Comment: This sequence change creates a premature translational stop signal (p.Ala927Aspfs*26) in the COL7A1 gene. It is expected to result in an absent or disrupted protein product. Loss-of-function variants in COL7A1 are known to be pathogenic (PMID: 16971478). For these reasons, this variant has been classified as Pathogenic. This variant has not been reported in the literature in individuals affected with COL7A1-related conditions. This variant is not present in population databases (gnomAD no frequency).

Literature cited by the submitters: PubMed 16971478.

NM_000094.4(COL7A1):c.2778_2779del (p.Ala927fs)

Gene: COL7A1 (collagen type VII alpha 1 chain; minus strand). Cytogenetic location: 3p21.31.
Variant type: Deletion.
Coding change: c.2778_2779del on transcript NM_000094.4 (MANE Select); coding-DNA positions 2778 to 2779, 2 bases deleted (AG; older notation c.2778_2779delAG).
Protein change: p.Ala927fs; shifts the reading frame from alanine 927.
Molecular consequence: frameshift variant.
Genome position (GRCh38, 1-based): chr3:48,587,871-48,587,872, CT deleted on the plus strand (AG on the coding strand, the reverse complement: COL7A1 is on the minus strand). VCF-style (leftmost placement, unchanged base first): chr3-48587870-GCT-G. GRCh37 (hg19) VCF-style: chr3-48625303-GCT-G.
Other names: short protein forms A927fs.
Identifiers: ClinVar variation 2026407 (VCV002026407.4), dbSNP rs2531241120, ClinGen allele CA2580069950.